The following is an entry in ClinVar:

NM_015629.4(PRPF31):c.976C>T (p.Arg326Cys)

Gene: PRPF31 (pre-mRNA processing factor 31; plus strand). Cytogenetic location: 19q13.42.
Variant type: single nucleotide variant.
Coding change: c.976C>T on transcript NM_015629.4 (MANE Select); coding-DNA position 976, C replaced by T.
Protein change: p.Arg326Cys; replaces arginine 326 with cysteine.
Molecular consequence: missense variant.
Genome position (GRCh38, 1-based): chr19:54,128,103, C>T. VCF-style: chr19-54128103-C-T. GRCh37 (hg19) VCF-style: chr19-54631478-C-T.
Other names: short protein forms R326C.
Identifiers: ClinVar variation 893773 (VCV000893773.12), dbSNP rs1180860515, ClinGen allele CA407752966.

ClinVar aggregate classification (germline): Uncertain significance. Review status: criteria provided, multiple submitters, no conflicts (2 of 4 stars). 3 submissions from 3 submitters: Uncertain significance (3). Last evaluated 2020-12-22.

Conditions:
Retinitis pigmentosa (RP). Identifiers: Orphanet 791, MedGen C0035334, MeSH D012174, MONDO:0019200, OMIM 268000. Inheritance: Autosomal dominant, autosomal recessive and X linked inheritance.

Allele frequency attached by ClinVar (database versions not stated): gnomAD 0.00001; gnomAD exomes 0.00001; TOPMed 0.00001.
gnomAD v4.1: 12 of 1,549,604 alleles (0.00077%); highest among the groups gnomAD compares: South Asian, 0.0012%; no homozygotes.

Submissions (3):

Labcorp Genetics (formerly Invitae), Labcorp
Classification: Uncertain significance. Last evaluated: 2020-12-22. Review status: criteria provided, single submitter. Criteria: Invitae Variant Classification Sherloc (09022015). Collection method: clinical testing. Allele origin: germline.
Comment: This sequence change replaces arginine with cysteine at codon 326 of the PRPF31 protein (p.Arg326Cys). The arginine residue is moderately conserved and there is a large physicochemical difference between arginine and cysteine. This variant is not present in population databases (ExAC no frequency). This variant has not been reported in the literature in individuals with PRPF31-related conditions. ClinVar contains an entry for this variant (Variation ID: 893773). Algorithms developed to predict the effect of missense changes on protein structure and function are either unavailable or do not agree on the potential impact of this missense change (SIFT: "Deleterious"; PolyPhen-2: "Possibly Damaging"; Align-GVGD: "Class C15"). In summary, the available evidence is currently insufficient to determine the role of this variant in disease. Therefore, it has been classified as a Variant of Uncertain Significance.

Illumina Laboratory Services, Illumina
Classification: Uncertain significance for Retinitis pigmentosa. Last evaluated: 2018-01-13. Review status: criteria provided, single submitter. Criteria: ICSL Variant Classification Criteria 13 December 2019. Collection method: clinical testing. Allele origin: germline.

Blueprint Genetics
Classification: Uncertain significance. Last evaluated: 2017-10-08. Review status: criteria provided, single submitter. Criteria: ACMG Guidelines, 2015. Collection method: clinical testing. Allele origin: germline.